The following is an entry in ClinVar:

NM_002609.4(PDGFRB):c.875A>G (p.Asn292Ser)

Gene: PDGFRB (platelet derived growth factor receptor beta; minus strand). Cytogenetic location: 5q32.
Variant type: single nucleotide variant.
Coding change: c.875A>G on transcript NM_002609.4 (MANE Select); coding-DNA position 875, A replaced by G.
Protein change: p.Asn292Ser; replaces asparagine 292 with serine.
Molecular consequence: missense variant.
Genome position (GRCh38, 1-based): chr5:150,133,645, T>C on the plus strand (A>G on the coding strand, the complement: PDGFRB is on the minus strand). VCF-style: chr5-150133645-T-C. GRCh37 (hg19) VCF-style: chr5-149513208-T-C.
Other names: c.683A>G, p.Asn228Ser (NM_001355016.2); c.392A>G, p.Asn131Ser (NM_001355017.2); c.875A>G (NM_002609.3); short protein forms N131S, N292S, N228S.
Identifiers: ClinVar variation 1440324 (VCV001440324.9), dbSNP rs1175765188, ClinGen allele CA361721343.
Genomic context (GRCh38, chr5:150,133,645, plus strand): 5'-CCAACCACGGTGATGTTGATGGCCTTTTCATCCTGATGGTCATTCACACTCTCCGTCACA[T>C]TGCAGGTGTAGGTCCCCGAGTCTTCTAACTCGGCACTGGGGATGTGCAGGATGGAGCGGA-3'
Protein context (NP_002600.1, residues 282-302): ELEDSGTYTC[Asn292Ser]VTESVNDHQD

ClinVar aggregate classification (germline): Uncertain significance. Review status: criteria provided, multiple submitters, no conflicts (2 of 4 stars). 2 submissions from 2 submitters: Uncertain significance (2). Last evaluated 2023-10-20.

Conditions:
Acroosteolysis-keloid-like lesions-premature aging syndrome. Also called: Progeroid syndrome, Penttinen type; Premature aging syndrome, Penttinen type; Prematurely aged appearance, delayed bone maturation, acro-osteolysis, and brachydactyly. Identifiers: Orphanet 363665, MedGen C1866182, MONDO:0011150, OMIM 601812.
Skeletal overgrowth-craniofacial dysmorphism-hyperelastic skin-white matter lesions syndrome. Also called: SKELETAL OVERGROWTH WITH FACIAL DYSMORPHISM, HYPERELASTIC SKIN, WHITE MATTER LESIONS, AND NEUROLOGIC DETERIORATION; Kosaki overgrowth syndrome. Identifiers: Orphanet 477831, MedGen C4225270, MONDO:0014704, OMIM 616592.
Basal ganglia calcification, idiopathic, 4 (PFBC4). Also called: PRIMARY FAMILIAL BRAIN CALCIFICATION 4, AUTOSOMAL DOMINANT; Familial Idiopathic Basal Ganglia Calcification 4. Identifiers: Orphanet 1980, MedGen C3554321, MONDO:0014004, OMIM 615007.
Infantile myofibromatosis (IMF). Also called: Congenital generalized fibromatosis. Identifiers: Orphanet 2591, MedGen C0432284, MONDO:0016824.
Inborn genetic diseases. Identifiers: MedGen C0950123, MeSH D030342.

Allele frequency attached by ClinVar (database versions not stated): TOPMed 0.00002; gnomAD exomes 0.00001.
gnomAD v4.1: 4 of 1,614,094 alleles (0.00025%); highest among the groups gnomAD compares: Admixed American, 0.0067%; no homozygotes.

Submissions (2):

Ambry Genetics
Classification: Uncertain significance for Inborn genetic diseases. Last evaluated: 2023-10-20. Review status: criteria provided, single submitter. Criteria: Ambry Variant Classification Scheme 2023. Collection method: clinical testing. Allele origin: germline.

Labcorp Genetics (formerly Invitae), Labcorp
Classification: Uncertain significance for Basal ganglia calcification, idiopathic, 4; Skeletal overgrowth-craniofacial dysmorphism-hyperelastic skin-white matter lesions syndrome; Infantile myofibromatosis; Acroosteolysis-keloid-like lesions-premature aging syndrome. Last evaluated: 2021-05-16. Review status: criteria provided, single submitter. Criteria: Invitae Variant Classification Sherloc (09022015). Collection method: clinical testing. Allele origin: germline.
Comment: This sequence change replaces asparagine with serine at codon 292 of the PDGFRB protein (p.Asn292Ser). The asparagine residue is highly conserved and there is a small physicochemical difference between asparagine and serine. This variant is not present in population databases (ExAC no frequency). This variant has not been reported in the literature in individuals with PDGFRB-related conditions. In summary, the available evidence is currently insufficient to determine the role of this variant in disease. Therefore, it has been classified as a Variant of Uncertain Significance. Algorithms developed to predict the effect of sequence changes on RNA splicing suggest that this variant may create or strengthen a splice site, but this prediction has not been confirmed by published transcriptional studies. Advanced modeling of protein sequence and biophysical properties (such as structural, functional, and spatial information, amino acid conservation, physicochemical variation, residue mobility, and thermodynamic stability) performed at Invitae indicates that this missense variant is not expected to disrupt PDGFRB protein function.